The following is an entry in ClinVar:

ClinVar aggregate classification (germline): Benign. Review status: criteria provided, multiple submitters, no conflicts (2 of 4 stars). 2 submissions from 2 submitters: Benign (2). Last evaluated 2019-04-19.

Allele frequency attached by ClinVar (database versions not stated): gnomAD exomes 0.06920 and 0.08288; ExAC 0.08807; 1000 Genomes Project 0.15196; gnomAD 0.15480 and 0.16434; TOPMed 0.16975; ESP Exome Variant Server 0.17069; 1000 Genomes Project 30x 0.16209.
gnomAD v4.1: 123,263 of 1,591,998 alleles (7.7%); highest among the groups gnomAD compares: African/African-American, 38%; 8,877 homozygotes.

Submissions (2):

GeneDx
Classification: Benign. Last evaluated: 2019-04-19. Review status: criteria provided, single submitter. Criteria: GeneDx Variant Classification Process June 2021. Collection method: clinical testing. Allele origin: germline. Affected: yes.
Comment: This variant is associated with the following publications: (PMID: 30389748)

Breakthrough Genomics
Classification: Benign. Review status: criteria provided, single submitter. Criteria: ACMG Guidelines, 2015. Collection method: not provided. Allele origin: germline. Inheritance: Unknown mechanism. Affected: yes.

NM_145259.3(ACVR1C):c.1444A>G (p.Ile482Val)

Gene: ACVR1C (activin A receptor type 1C; minus strand). Cytogenetic location: 2q24.1.
Variant type: single nucleotide variant.
Coding change: c.1444A>G on transcript NM_145259.3 (MANE Select); coding-DNA position 1444, A replaced by G.
Protein change: p.Ile482Val; replaces isoleucine 482 with valine.
Molecular consequence: missense variant.
Genome position (GRCh38, 1-based): chr2:157,533,956, T>C on the plus strand (A>G on the coding strand, the complement: ACVR1C is on the minus strand). VCF-style: chr2-157533956-T-C. GRCh37 (hg19) VCF-style: chr2-158390468-T-C.
Other names: c.1294A>G, p.Ile432Val (NM_001111031.2); c.1204A>G, p.Ile402Val (NM_001111032.2); c.973A>G, p.Ile325Val (NM_001111033.2); short protein forms I325V, I402V, I432V, I482V.
Identifiers: ClinVar variation 1282954 (VCV001282954.2), dbSNP rs7594480, ClinGen allele CA1918543.